The following is an entry in ClinVar:

ClinVar aggregate classification (germline): Uncertain significance (0 of 4 stars; one submission).

Conditions:
Carcinoma of colon (CRC). Also called: Colonic carcinoma; Colon carcinoma. Identifiers: MedGen C0699790, MONDO:0002032.

Submission:

Immunobiology Lab; University of Kashmir
Classification: Uncertain significance for Carcinoma of colon. Last evaluated: 2014-05-07. Review status: no assertion criteria provided. Collection method: case-control. Allele origin: somatic. Affected: yes. Study: Mutational Hotspot profiling of Tyrosine Kinase domain of VEGF receptors in Human colorectal tumors.
Comment: The variation(s) were confirmed by double pass sequencing of PCR products amplified from genomic DNA of colonic lesions fron colorectal patients

NM_182925.5(FLT4):c.3065C>T (p.Ala1022Val)

Gene: FLT4 (fms related receptor tyrosine kinase 4; minus strand). Cytogenetic location: 5q35.3.
Variant type: single nucleotide variant.
Coding change: c.3065C>T on transcript NM_182925.5 (MANE Select); coding-DNA position 3065, C replaced by T.
Protein change: p.Ala1022Val; replaces alanine 1022 with valine.
Molecular consequence: missense variant.
Genome position (GRCh38, 1-based): chr5:180,616,931, G>A on the plus strand (C>T on the coding strand, the complement: FLT4 is on the minus strand). VCF-style: chr5-180616931-G-A. GRCh37 (hg19) VCF-style: chr5-180043931-G-A.
Other names: KP684484; c.3065C>T, p.Ala1022Val (NM_001354989.2, NM_002020.5); short protein forms A1022V.
Identifiers: ClinVar variation 204355 (VCV000204355.3), dbSNP rs56364366, ClinGen allele CA251295.